The following is an entry in ClinVar:

NM_001032283.3(TMPO):c.128A>G (p.Gln43Arg)

Genes: TMPO (thymopoietin; plus strand), TMPO-AS1 (TMPO antisense RNA 1; minus strand). Cytogenetic location: 12q23.1.
Variant type: single nucleotide variant.
Coding change: c.128A>G on transcript NM_001032283.3 (MANE Select); coding-DNA position 128, A replaced by G.
Protein change: p.Gln43Arg; replaces glutamine 43 with arginine.
Molecular consequence: missense variant. On other transcripts: non-coding transcript variant (1).
Genome position (GRCh38, 1-based): chr12:98,515,995, A>G. VCF-style: chr12-98515995-A-G. GRCh37 (hg19) VCF-style: chr12-98909773-A-G.
Other names: c.128A>G, p.Gln43Arg (NM_001032284.3, NM_001307975.2, NM_003276.2); short protein forms Q43R.
Identifiers: ClinVar variation 659030 (VCV000659030.13), dbSNP rs371427406, ClinGen allele CA6732107.

ClinVar aggregate classification (germline): Uncertain significance. Review status: criteria provided, multiple submitters, no conflicts (2 of 4 stars). 2 submissions from 2 submitters: Uncertain significance (2). Last evaluated 2025-03-09.

Conditions:
Loeys-Dietz syndrome 2 (LDS2). Also called: AORTIC ANEURYSM, FAMILIAL THORACIC 3; MARFAN SYNDROME, TYPE II; Marfan syndrome, type 2 (formerly); TGFBR2-Related Loeys-Dietz Syndrome; Marfan Syndrome type 2; Marfan like connective tissue disorder. Identifiers: Orphanet 284973, Orphanet 558, MedGen C2674574, MONDO:0012427, OMIM 610168.

Allele frequency attached by ClinVar (database versions not stated): ExAC 0.00001; gnomAD exomes 0.00001 and 0.00002; gnomAD 0.00004; TOPMed 0.00006; ESP Exome Variant Server 0.00008.
gnomAD v4.1: 11 of 1,612,450 alleles (0.00068%); highest among the groups gnomAD compares: African/African-American, 0.008%; no homozygotes.

Submissions (2):

Ambry Genetics
Classification: Uncertain significance. Last evaluated: 2025-03-09. Review status: criteria provided, single submitter. Criteria: Ambry Variant Classification Scheme 2023. Collection method: clinical testing. Allele origin: germline.
Comment: The p.Q43R variant (also known as c.128A>G), located in coding exon 1 of the TMPO gene, results from an A to G substitution at nucleotide position 128. The glutamine at codon 43 is replaced by arginine, an amino acid with highly similar properties. This amino acid position is conserved. In addition, this alteration is predicted to be tolerated by in silico analysis. Since supporting evidence is limited at this time, the clinical significance of this alteration remains unclear.

Labcorp Genetics (formerly Invitae), Labcorp
Classification: Uncertain significance for Loeys-Dietz syndrome 2. Last evaluated: 2025-01-21. Review status: criteria provided, single submitter. Criteria: Invitae Variant Classification Sherloc (09022015). Collection method: clinical testing. Allele origin: germline.
Comment: This sequence change replaces glutamine, which is neutral and polar, with arginine, which is basic and polar, at codon 43 of the TMPO protein (p.Gln43Arg). This variant is present in population databases (rs371427406, gnomAD 0.02%). This variant has not been reported in the literature in individuals affected with TMPO-related conditions. ClinVar contains an entry for this variant (Variation ID: 659030). An algorithm developed to predict the effect of missense changes on protein structure and function (PolyPhen-2) suggests that this variant is likely to be disruptive. In summary, the available evidence is currently insufficient to determine the role of this variant in disease. Therefore, it has been classified as a Variant of Uncertain Significance.